The following is an entry in ClinVar:

ClinVar aggregate classification (germline): Uncertain significance. Review status: criteria provided, multiple submitters, no conflicts (2 of 4 stars). 4 submissions from 4 submitters: Uncertain significance (4). Last evaluated 2025-11-24.

Conditions:
Inborn genetic diseases. Identifiers: MedGen C0950123, MeSH D030342.
Facioscapulohumeral muscular dystrophy 2 (FSHD2). Also called: MUSCULAR DYSTROPHY, FACIOSCAPULOHUMERAL, TYPE 1B; FACIOSCAPULOHUMERAL MUSCULAR DYSTROPHY 2, DIGENIC; FSHD2, DIGENIC. Identifiers: Orphanet 269, MedGen C1834671, MONDO:0008031, OMIM 158901.

Allele frequency attached by ClinVar (database versions not stated): 1000 Genomes Project 30x 0.00062; ExAC 0.00011; 1000 Genomes Project 0.00040.
gnomAD v4.1: 13 of 1,405,824 alleles (0.00092%); highest among the groups gnomAD compares: Admixed American, 0.032%; 1 homozygote.

Submissions (4):

Ambry Genetics
Classification: Uncertain significance for Inborn genetic diseases. Last evaluated: 2025-11-24. Review status: criteria provided, single submitter. Criteria: Ambry Variant Classification Scheme 2023. Collection method: clinical testing. Allele origin: germline.

Labcorp Genetics (formerly Invitae), Labcorp
Classification: Uncertain significance for Facioscapulohumeral muscular dystrophy 2. Last evaluated: 2025-06-03. Review status: criteria provided, single submitter. Criteria: Invitae Variant Classification Sherloc (09022015). Collection method: clinical testing. Allele origin: germline.
Comment: This sequence change replaces isoleucine, which is neutral and non-polar, with phenylalanine, which is neutral and non-polar, at codon 376 of the SMCHD1 protein (p.Ile376Phe). This variant is present in population databases (rs185618962, gnomAD 0.04%). This variant has not been reported in the literature in individuals affected with SMCHD1-related conditions. ClinVar contains an entry for this variant (Variation ID: 1514102). Invitae Evidence Modeling of protein sequence and biophysical properties (such as structural, functional, and spatial information, amino acid conservation, physicochemical variation, residue mobility, and thermodynamic stability) indicates that this missense variant is expected to disrupt SMCHD1 protein function with a positive predictive value of 80%. In summary, the available evidence is currently insufficient to determine the role of this variant in disease. Therefore, it has been classified as a Variant of Uncertain Significance.

GeneDx
Classification: Uncertain significance. Last evaluated: 2022-06-08. Review status: criteria provided, single submitter. Criteria: GeneDx Variant Classification Process June 2021. Collection method: clinical testing. Allele origin: germline. Affected: yes.
Comment: In silico analysis supports that this missense variant does not alter protein structure/function; Has not been previously published as pathogenic or benign to our knowledge

AiLife Diagnostics
Classification: Uncertain significance. Last evaluated: 2021-05-22. Review status: criteria provided, single submitter. Criteria: ACMG Guidelines, 2015. Collection method: clinical testing. Allele origin: germline. Affected: yes. Observed: 1 variant allele.

NM_015295.3(SMCHD1):c.1126A>T (p.Ile376Phe)

Gene: SMCHD1 (structural maintenance of chromosomes flexible hinge domain containing 1; plus strand). Cytogenetic location: 18p11.32.
Variant type: single nucleotide variant.
Coding change: c.1126A>T on transcript NM_015295.3 (MANE Select); coding-DNA position 1126, A replaced by T.
Protein change: p.Ile376Phe; replaces isoleucine 376 with phenylalanine.
Molecular consequence: missense variant.
Genome position (GRCh38, 1-based): chr18:2,697,117, A>T. VCF-style: chr18-2697117-A-T. GRCh37 (hg19) VCF-style: chr18-2697115-A-T.
Other names: short protein forms I376F.
Identifiers: ClinVar variation 1514102 (VCV001514102.11), dbSNP rs185618962, ClinGen allele CA8870687.